The following is an entry in ClinVar:

ClinVar aggregate classification (germline): Uncertain significance (1 of 4 stars; one submission).

Submission:

Greenwood Genetic Center Diagnostic Laboratories, Greenwood Genetic Center
Classification: Uncertain significance. Last evaluated: 2024-12-02. Review status: criteria provided, single submitter. Criteria: ACMG Guidelines, 2015. Collection method: clinical testing. Allele origin: germline. Affected: yes.
Comment: Gene of Uncertain Significance

NM_032437.4(EFCAB7):c.1214+2_1214+4del

Gene: EFCAB7 (EF-hand calcium binding domain 7; plus strand). Cytogenetic location: 1p31.3.
Variant type: Deletion.
Coding change: c.1214+2_1214+4del on transcript NM_032437.4 (MANE Select); the canonical splice donor site of the intron after coding-DNA position 1214 through 4 bases into the intron after coding-DNA position 1214, 3 bases deleted (TAA; older notation c.1214+2_1214+4delTAA).
Molecular consequence: splice donor variant.
Genome position (GRCh38, 1-based): chr1:63,555,517-63,555,519, TAA deleted. VCF-style (leftmost placement, unchanged base first): chr1-63555516-GTAA-G. GRCh37 (hg19) VCF-style: chr1-64021187-GTAA-G.
Identifiers: ClinVar variation 3765799 (VCV003765799.1).